The following is an entry in ClinVar:

NM_000127.3(EXT1):c.875T>C (p.Val292Ala)

Gene: EXT1 (exostosin glycosyltransferase 1; minus strand). Cytogenetic location: 8q24.11.
Variant type: single nucleotide variant.
Coding change: c.875T>C on transcript NM_000127.3 (MANE Select); coding-DNA position 875, T replaced by C.
Protein change: p.Val292Ala; replaces valine 292 with alanine.
Molecular consequence: missense variant.
Genome position (GRCh38, 1-based): chr8:118,110,172, A>G on the plus strand (T>C on the coding strand, the complement: EXT1 is on the minus strand). VCF-style: chr8-118110172-A-G. GRCh37 (hg19) VCF-style: chr8-119122411-A-G.
Other names: short protein forms V292A.
Identifiers: ClinVar variation 4798607 (VCV004798607.1).
Genomic context (GRCh38, chr8:118,110,172, plus strand): 5'-CAGCGAGAATCCTTGTGCTTTTGCCAGTCTTTGCCATGCTTGCAGGTGGTGAGGAGCACA[A>G]CGTCCTCCCCGTTATGGACGTGATATAAGGCATTCCTGGTGTCTGATCCTATCCCTGTCA-3'
Protein context (NP_000118.2, residues 282-302): ALYHVHNGED[Val292Ala]VLLTTCKHGK

ClinVar aggregate classification (germline): Uncertain significance (1 of 4 stars; one submission).

Conditions:
Multiple congenital exostosis (EXT). Also called: MULTIPLE CARTILAGINOUS EXOSTOSES; Hereditary multiple osteochondromas; Hereditary multiple exostoses; Hereditary multiple exostosis; Multiple exostoses; Multiple osteochondromas. Identifiers: Orphanet 321, MedGen C0015306, MONDO:0005508, HP:0002762.

Submission:

Labcorp Genetics (formerly Invitae), Labcorp
Classification: Uncertain significance for Multiple congenital exostosis. Last evaluated: 2025-02-19. Review status: criteria provided, single submitter. Criteria: Invitae Variant Classification Sherloc (09022015). Collection method: clinical testing. Allele origin: germline.
Comment: This sequence change replaces valine, which is neutral and non-polar, with alanine, which is neutral and non-polar, at codon 292 of the EXT1 protein (p.Val292Ala). This variant is not present in population databases (gnomAD no frequency). This variant has not been reported in the literature in individuals affected with EXT1-related conditions. Invitae Evidence Modeling of protein sequence and biophysical properties (such as structural, functional, and spatial information, amino acid conservation, physicochemical variation, residue mobility, and thermodynamic stability) indicates that this missense variant is not expected to disrupt EXT1 protein function with a negative predictive value of 80%. In summary, the available evidence is currently insufficient to determine the role of this variant in disease. Therefore, it has been classified as a Variant of Uncertain Significance.